The following is an entry in ClinVar:

ClinVar aggregate classification (germline): Conflicting classifications of pathogenicity. Review status: criteria provided, conflicting classifications (1 of 4 stars). 3 submissions from 3 submitters: Likely pathogenic (1); Uncertain significance (2). Last evaluated 2025-01-07.

Conditions:
Autosomal recessive limb-girdle muscular dystrophy type 2J (LGMDR10). Also called: Limb-girdle muscular dystrophy, type 2J; MUSCULAR DYSTROPHY, LIMB-GIRDLE, AUTOSOMAL RECESSIVE 10. Identifiers: Orphanet 140922, MedGen C1837342, MONDO:0012127, OMIM 608807.
Dilated cardiomyopathy 1G (CMD1G). Identifiers: Orphanet 154, MedGen C1858763, MONDO:0011400, OMIM 604145.
Myopathy, myofibrillar, 9, with early respiratory failure (MFM9). Also called: EDSTROM MYOPATHY; MYOPATHY, PROXIMAL, WITH EARLY RESPIRATORY MUSCLE INVOLVEMENT; Hereditary myopathy with early respiratory failure; Myopathy, distal, with early respiratory failure, autosomal dominant. Identifiers: Orphanet 178464, Orphanet 34521, MedGen C1863599, MONDO:0011362, OMIM 603689.
Hypertrophic cardiomyopathy 9. Also called: Familial hypertrophic cardiomyopathy 9. Identifiers: MedGen C1861065, MONDO:0013412, OMIM 613765.
Early-onset myopathy with fatal cardiomyopathy (CMYO5). Also called: Salih Myopathy; CONGENITAL MYOPATHY 5 WITH CARDIOMYOPATHY. Identifiers: Orphanet 289377, MedGen C2673677, MONDO:0012714, OMIM 611705. Disease mechanism: loss of function.
Tibial muscular dystrophy (TMD). Also called: UDD MYOPATHY; Tibial muscular dystrophy, tardive; Udd Distal Myopathy – Tibial Muscular Dystrophy. Identifiers: Orphanet 609, MedGen C1838244, MONDO:0010870, OMIM 600334.

Allele frequency attached by ClinVar (database versions not stated): gnomAD 0.00001; TOPMed 0.00001.
gnomAD v4.1: 1 of 1,613,824 alleles (0.000062%); highest among the groups gnomAD compares: African/African-American, 0.0013%; no homozygotes.

Submissions (3):

GeneDx
Classification: Uncertain significance. Last evaluated: 2025-01-07. Review status: criteria provided, single submitter. Criteria: GeneDx Variant Classification Process June 2021. Collection method: clinical testing. Allele origin: germline. Affected: yes.
Comment: Canonical splice site variant in a region of a gene for which loss of function is not a well-established mechanism of disease; Not observed at significant frequency in large population cohorts (gnomAD); Has not been previously published as pathogenic or benign to our knowledge; This variant is associated with the following publications: (PMID: 23975875)

Labcorp Genetics (formerly Invitae), Labcorp
Classification: Likely pathogenic for Dilated cardiomyopathy 1G; Autosomal recessive limb-girdle muscular dystrophy type 2J. Last evaluated: 2024-11-04. Review status: criteria provided, single submitter. Criteria: Invitae Variant Classification Sherloc (09022015). Collection method: clinical testing. Allele origin: germline.
Comment: This sequence change affects a donor splice site in intron 108 of the TTN gene. It is expected to disrupt RNA splicing and likely results in a truncated or disrupted TTN protein. This variant is not present in population databases (gnomAD no frequency). This variant has not been reported in the literature in individuals affected with TTN-related conditions. ClinVar contains an entry for this variant (Variation ID: 450866). Algorithms developed to predict the effect of sequence changes on RNA splicing suggest that this variant may disrupt the consensus splice site. This variant is located in the I band of TTN (PMID: 25589632). Truncating variants in this region have been reported in individuals affected with autosomal recessive centronuclear myopathy (PMID: 23975875, internal data). Truncating variants in this region have also been identified in individuals affected with autosomal dominant dilated cardiomyopathy and/or cardio-related conditions (PMID: 27869827, 32964742, internal data). In summary, the currently available evidence indicates that the variant is pathogenic, but additional data are needed to prove that conclusively. Therefore, this variant has been classified as Likely Pathogenic.

Fulgent Genetics
Classification: Uncertain significance for Tibial muscular dystrophy; Myopathy, myofibrillar, 9, with early respiratory failure; Dilated cardiomyopathy 1G; Autosomal recessive limb-girdle muscular dystrophy type 2J; Early-onset myopathy with fatal cardiomyopathy; Hypertrophic cardiomyopathy 9. Last evaluated: 2021-11-04. Review status: criteria provided, single submitter. Criteria: ACMG Guidelines, 2015. Collection method: clinical testing. Allele origin: unknown.

Literature cited by the submitters: PubMed 25589632 (cited by Labcorp Genetics (formerly Invitae), Labcorp); PubMed 23975875 (cited by Labcorp Genetics (formerly Invitae), Labcorp); PubMed 27869827 (cited by Labcorp Genetics (formerly Invitae), Labcorp); PubMed 32964742 (cited by Labcorp Genetics (formerly Invitae), Labcorp).

NM_001267550.2(TTN):c.30511+1G>C

Gene: TTN (titin; minus strand). Cytogenetic location: 2q31.2.
Variant type: single nucleotide variant.
Coding change: c.30511+1G>C on transcript NM_001267550.2 (MANE Select); the canonical splice donor site of the intron after coding-DNA position 30511, G replaced by C.
Molecular consequence: splice donor variant. On other transcripts: intron variant (3).
Genome position (GRCh38, 1-based): chr2:178,702,167, C>G on the plus strand (G>C on the coding strand, the complement: TTN is on the minus strand). VCF-style: chr2-178702167-C-G. GRCh37 (hg19) VCF-style: chr2-179566894-C-G.
Other names: c.13282+35915G>C (NM_003319.4); c.13858+35915G>C (NM_133437.4); c.13657+35915G>C (NM_133432.3); c.26779+1G>C (NM_133378.4); c.29560+1G>C (NM_001256850.1).
Identifiers: ClinVar variation 450866 (VCV000450866.10), dbSNP rs879082842, ClinGen allele CA60997603.